The following is an entry in ClinVar:

ClinVar aggregate classification (germline): Likely pathogenic (1 of 4 stars; one submission).

Conditions:
PKD1-related disorder. Also called: PKD1-related condition.

Submission:

PreventionGenetics, part of Exact Sciences
Classification: Likely pathogenic for PKD1-related condition. Last evaluated: 2023-07-27. Review status: criteria provided, single submitter. Criteria: ACMG Guidelines, 2015. Collection method: clinical testing. Allele origin: germline.
Comment: The PKD1 c.4897G>T variant is predicted to result in premature protein termination (p.Glu1633*). To our knowledge, this variant has not been reported in the literature or in a large population database, indicating this variant is rare. Nonsense variants in PKD1 are expected to be pathogenic. This variant is interpreted as likely pathogenic.

NM_001009944.3(PKD1):c.4897G>T (p.Glu1633Ter)

Gene: PKD1 (polycystin 1, transient receptor potential channel interacting; minus strand). Cytogenetic location: 16p13.3.
Variant type: single nucleotide variant.
Coding change: c.4897G>T on transcript NM_001009944.3 (MANE Select); coding-DNA position 4897, G replaced by T.
Protein change: p.Glu1633Ter; replaces glutamic acid 1633 with a stop codon.
Molecular consequence: nonsense.
Genome position (GRCh38, 1-based): chr16:2,110,270, C>A on the plus strand (G>T on the coding strand, the complement: PKD1 is on the minus strand). VCF-style: chr16-2110270-C-A. GRCh37 (hg19) VCF-style: chr16-2160271-C-A.
Other names: c.4897G>T, p.Glu1633Ter (NM_000296.4); short protein forms E1633*.
Identifiers: ClinVar variation 2631215 (VCV002631215.1), dbSNP rs773744181, ClinGen allele CA394378970.